The following is an entry in ClinVar:

ClinVar aggregate classification (germline): Uncertain significance. Review status: criteria provided, multiple submitters, no conflicts (2 of 4 stars). 5 submissions from 5 submitters: Uncertain significance (4). 1 of the submissions does not count toward it. Last evaluated 2025-09-01.

Conditions:
Myopathy, proximal, and ophthalmoplegia (CMYO6). Also called: MYOPATHY WITH CONGENITAL JOINT CONTRACTURES, OPHTHALMOPLEGIA, AND RIMMED VACUOLES; CONGENITAL MYOPATHY 6 WITH OPHTHALMOPLEGIA; INCLUSION BODY MYOPATHY 3, AUTOSOMAL DOMINANT. Identifiers: Orphanet 363677, Orphanet 79091, MedGen C1854106, MONDO:0011577, OMIM 605637.
MYH2-related disorder. Also called: MYH2-related condition.
Inborn genetic diseases. Identifiers: MedGen C0950123, MeSH D030342.

Allele frequency attached by ClinVar (database versions not stated): ExAC 0.00003; TOPMed 0.00003; gnomAD exomes 0.00004 and 0.00006; gnomAD 0.00005; ESP Exome Variant Server 0.00008.
gnomAD v4.1: 89 of 1,614,044 alleles (0.0055%); highest among the groups gnomAD compares: Non-Finnish European, 0.0072%; no homozygotes.

Submissions (5):

Labcorp Genetics (formerly Invitae), Labcorp
Classification: Uncertain significance for Myopathy, proximal, and ophthalmoplegia. Last evaluated: 2025-09-01. Review status: criteria provided, single submitter. Criteria: Invitae Variant Classification Sherloc (09022015). Collection method: clinical testing. Allele origin: germline.
Comment: This sequence change replaces alanine, which is neutral and non-polar, with valine, which is neutral and non-polar, at codon 1761 of the MYH2 protein (p.Ala1761Val). This variant is present in population databases (rs377385495, gnomAD 0.009%). This variant has not been reported in the literature in individuals affected with MYH2-related conditions. ClinVar contains an entry for this variant (Variation ID: 208780). Invitae Evidence Modeling of protein sequence and biophysical properties (such as structural, functional, and spatial information, amino acid conservation, physicochemical variation, residue mobility, and thermodynamic stability) indicates that this missense variant is not expected to disrupt MYH2 protein function with a negative predictive value of 80%. In summary, the available evidence is currently insufficient to determine the role of this variant in disease. Therefore, it has been classified as a Variant of Uncertain Significance.

Revvity Omics, Revvity
Classification: Uncertain significance for Myopathy, proximal, and ophthalmoplegia. Last evaluated: 2023-01-05. Review status: criteria provided, single submitter. Criteria: ACMG Guidelines, 2015. Collection method: clinical testing. Allele origin: germline.

GeneDx
Classification: Uncertain significance. Last evaluated: 2022-12-09. Review status: criteria provided, single submitter. Criteria: GeneDx Variant Classification Process June 2021. Collection method: clinical testing. Allele origin: germline. Affected: yes.
Comment: Reported previously in a patient with proximal weakness (Murphy et al., 2017); In silico analysis supports that this missense variant has a deleterious effect on protein structure/function; This variant is associated with the following publications: (PMID: Murphy2017[CaseReport])

Ambry Genetics
Classification: Uncertain significance for Inborn genetic diseases. Last evaluated: 2014-09-24. Review status: criteria provided, single submitter. Criteria: Ambry Variant Classification Scheme 2023. Collection method: clinical testing. Allele origin: germline.
Comment: The c.5282C>T (p.A1761V) alteration is located in exon 36 (coding exon 34) of the MYH2 gene. This alteration results from a C to T substitution at nucleotide position 5282, causing the alanine (A) at amino acid position 1761 to be replaced by a valine (V). The heterozygous missense change is ultra rare in healthy individuals:_x000D_ Based on data from the NHLBI Exome Sequencing Project (ESP), the MYH2 c.5282C>T alteration was observed in 1 among 13006 total alleles studied (0.01%). Allele frequency data for this nucleotide position are not currently available from the 1000 Genomes Project. This variant is reported in the SNPDatabase as rs377385495. The altered amino acid is conserved throughout evolution:_x000D_ The p.A1761 amino acid is conserved throughout available vertebrate species. The amino acid is located in a functionally important protein domain:_x000D_ _x000D_ The A1761 amino acid is located within the highly-conserved myosin tail domain, a coiled-coil region whose staggered and tight intermolecular packing involving several myosin proteins provides the structural backbone of thick filaments (NCBI). The alteration is predicted deleterious by in silico models:_x000D_ The p.A1761V alteration is predicted to be probably damaging by Polyphen and deleterious by SIFT in silico analyses. Based on insufficient or conflicting evidence, the clinical significance of this alteration remains unclear.

PreventionGenetics, part of Exact Sciences
Classification: Uncertain significance for MYH2-related condition. Last evaluated: 2024-01-04. Review status: no assertion criteria provided. Collection method: clinical testing. Allele origin: germline. Not counted in ClinVar's aggregate classification.
Comment: The MYH2 c.5282C>T variant is predicted to result in the amino acid substitution p.Ala1761Val. To our knowledge, this variant has not been reported in the literature. This variant is reported in 0.0085% of alleles in individuals of European (Non-Finnish) descent in gnomAD. At this time, the clinical significance of this variant is uncertain due to the absence of conclusive functional and genetic evidence.

NM_017534.6(MYH2):c.5282C>T (p.Ala1761Val)

Genes: MYHAS (myosin heavy chain gene cluster antisense RNA; plus strand), MYH2 (myosin heavy chain 2; minus strand). Cytogenetic location: 17p13.1.
Variant type: single nucleotide variant.
Coding change: c.5282C>T on transcript NM_017534.6 (MANE Select); coding-DNA position 5282, C replaced by T.
Protein change: p.Ala1761Val; replaces alanine 1761 with valine.
Molecular consequence: missense variant.
Genome position (GRCh38, 1-based): chr17:10,523,778, G>A on the plus strand (C>T on the coding strand, the complement: MYH2 is on the minus strand). VCF-style: chr17-10523778-G-A. GRCh37 (hg19) VCF-style: chr17-10427095-G-A.
Other names: c.5282C>T, p.Ala1761Val (NM_001100112.2); short protein forms A1761V.
Identifiers: ClinVar variation 208780 (VCV000208780.16), dbSNP rs377385495, ClinGen allele CA204894.
Genomic context (GRCh38, chr17:10,523,778, plus strand): 5'-TCTTACTGCTAAATCAGTGGACAAGTGTGCCTGCCACTCACATCAGTGATGGCCTTCTTG[G>A]CCTTTTCTTCTGCATTGCGGGCTTCCTGGAGAATGTCCTCCATCTCTCCTTGCATTTGGG-3'
Protein context (NP_060004.3, residues 1751-1771): LQEARNAEEK[Ala1761Val]KKAITDAAMM